The following is an entry in ClinVar:

ClinVar aggregate classification (germline): Uncertain significance. Review status: criteria provided, multiple submitters, no conflicts (2 of 4 stars). 3 submissions from 3 submitters: Uncertain significance (3). Last evaluated 2025-10-15.

Conditions:
Inborn genetic diseases. Identifiers: MedGen C0950123, MeSH D030342.
Charcot-Marie-Tooth disease axonal type 2O. Also called: CHARCOT-MARIE-TOOTH NEUROPATHY, AXONAL, TYPE 2O; CHARCOT-MARIE-TOOTH DISEASE, AXONAL, AUTOSOMAL DOMINANT, TYPE 2O; Charcot-Marie-Tooth Neuropathy Type 2O; Charcot-Marie-Tooth disease, axonal, type 20. Identifiers: Orphanet 284232, MedGen C3280220, MONDO:0013644, OMIM 614228.

Submissions (3):

Ambry Genetics
Classification: Uncertain significance for Inborn genetic diseases. Last evaluated: 2025-10-15. Review status: criteria provided, single submitter. Criteria: Ambry Variant Classification Scheme 2023. Collection method: clinical testing. Allele origin: germline.

GeneDx
Classification: Uncertain significance. Last evaluated: 2024-04-09. Review status: criteria provided, single submitter. Criteria: GeneDx Variant Classification Process June 2021. Collection method: clinical testing. Allele origin: germline.
Comment: Not observed at significant frequency in large population cohorts (gnomAD); In silico analysis supports that this missense variant has a deleterious effect on protein structure/function; Has not been previously published as pathogenic or benign to our knowledge; This variant is associated with the following publications: (PMID: 26100331, 25609763, 25512093)

Labcorp Genetics (formerly Invitae), Labcorp
Classification: Uncertain significance for Charcot-Marie-Tooth disease axonal type 2O. Last evaluated: 2022-04-06. Review status: criteria provided, single submitter. Criteria: Invitae Variant Classification Sherloc (09022015). Collection method: clinical testing. Allele origin: germline.
Comment: This sequence change replaces arginine, which is basic and polar, with histidine, which is basic and polar, at codon 4176 of the DYNC1H1 protein (p.Arg4176His). This variant is not present in population databases (gnomAD no frequency). This variant has not been reported in the literature in individuals affected with DYNC1H1-related conditions. Advanced modeling of protein sequence and biophysical properties (such as structural, functional, and spatial information, amino acid conservation, physicochemical variation, residue mobility, and thermodynamic stability) performed at Invitae indicates that this missense variant is not expected to disrupt DYNC1H1 protein function. In summary, the available evidence is currently insufficient to determine the role of this variant in disease. Therefore, it has been classified as a Variant of Uncertain Significance.

NM_001376.5(DYNC1H1):c.12527G>A (p.Arg4176His)

Gene: DYNC1H1 (dynein cytoplasmic 1 heavy chain 1; plus strand). Cytogenetic location: 14q32.31.
Variant type: single nucleotide variant.
Coding change: c.12527G>A on transcript NM_001376.5 (MANE Select); coding-DNA position 12527, G replaced by A.
Protein change: p.Arg4176His; replaces arginine 4176 with histidine.
Molecular consequence: missense variant.
Genome position (GRCh38, 1-based): chr14:102,043,888, G>A. VCF-style: chr14-102043888-G-A. GRCh37 (hg19) VCF-style: chr14-102510225-G-A.
Other names: short protein forms R4176H.
Identifiers: ClinVar variation 2084891 (VCV002084891.7), dbSNP rs2503865142, ClinGen allele CA391041939.